The following is an entry in ClinVar:

NM_014952.5(BAHD1):c.892C>A (p.Gln298Lys)

Gene: BAHD1 (bromo adjacent homology domain containing 1; plus strand). Cytogenetic location: 15q15.1.
Variant type: single nucleotide variant.
Coding change: c.892C>A on transcript NM_014952.5 (MANE Select); coding-DNA position 892, C replaced by A.
Protein change: p.Gln298Lys; replaces glutamine 298 with lysine.
Molecular consequence: missense variant.
Genome position (GRCh38, 1-based): chr15:40,459,356, C>A. VCF-style: chr15-40459356-C-A. GRCh37 (hg19) VCF-style: chr15-40751555-C-A.
Other names: c.892C>A, p.Gln298Lys (NM_001301132.2); short protein forms Q298K.
Identifiers: ClinVar variation 1231388 (VCV001231388.4), dbSNP rs3803357, ClinGen allele CA7481150.

ClinVar aggregate classification (germline): Benign. Review status: criteria provided, multiple submitters, no conflicts (2 of 4 stars). 2 submissions from 2 submitters: Benign (2). Last evaluated 2019-01-09.

Allele frequency attached by ClinVar (database versions not stated): gnomAD exomes 0.51973 and 0.58802; ESP Exome Variant Server 0.58550; ExAC 0.59138; gnomAD 0.60111 and 0.60241; TOPMed 0.61255; 1000 Genomes Project 0.67572; 1000 Genomes Project 30x 0.67723.
gnomAD v4.1: 852,123 of 1,612,696 alleles (53%); highest among the groups gnomAD compares: East Asian, 81%; 232,450 homozygotes.

Submissions (2):

GeneDx
Classification: Benign. Last evaluated: 2019-01-09. Review status: criteria provided, single submitter. Criteria: GeneDx Variant Classification Process June 2021. Collection method: clinical testing. Allele origin: germline. Affected: yes.
Comment: This variant is associated with the following publications: (PMID: 29083408)

Breakthrough Genomics
Classification: Benign. Review status: criteria provided, single submitter. Criteria: ACMG Guidelines, 2015. Collection method: not provided. Allele origin: germline. Inheritance: Unknown mechanism. Affected: yes.